The following is an entry in ClinVar:

ClinVar aggregate classification (germline): Uncertain significance. Review status: criteria provided, multiple submitters, no conflicts (2 of 4 stars). 2 submissions from 2 submitters: Uncertain significance (2). Last evaluated 2023-11-06.

Conditions:
Developmental and epileptic encephalopathy, 36 (DEE36). Also called: Congenital disorder of glycosylation, type Is; Epileptic encephalopathy, early infantile, 36; ALG13-CDG. Identifiers: Orphanet 324422, MedGen C4317295, MONDO:0010472, OMIM 300884.

Allele frequency attached by ClinVar (database versions not stated): gnomAD 0.00001 and 0.00002; gnomAD exomes 0.00001; ExAC 0.00003; TOPMed 0.00003; 1000 Genomes Project 30x 0.00021; 1000 Genomes Project 0.00053.
gnomAD v4.1: 2 of 1,204,847 alleles (0.00017%); highest among the groups gnomAD compares: African/African-American, 0.0018%; no homozygotes.

Submissions (2):

Labcorp Genetics (formerly Invitae), Labcorp
Classification: Uncertain significance for Developmental and epileptic encephalopathy, 36. Last evaluated: 2023-11-06. Review status: criteria provided, single submitter. Criteria: Invitae Variant Classification Sherloc (09022015). Collection method: clinical testing. Allele origin: germline.
Comment: This sequence change replaces arginine, which is basic and polar, with cysteine, which is neutral and slightly polar, at codon 704 of the ALG13 protein (p.Arg704Cys). The frequency data for this variant in the population databases is considered unreliable, as metrics indicate poor data quality at this position in the gnomAD database. This variant has not been reported in the literature in individuals affected with ALG13-related conditions. ClinVar contains an entry for this variant (Variation ID: 1304233). Advanced modeling of protein sequence and biophysical properties (such as structural, functional, and spatial information, amino acid conservation, physicochemical variation, residue mobility, and thermodynamic stability) performed at Invitae indicates that this missense variant is not expected to disrupt ALG13 protein function with a negative predictive value of 80%. Algorithms developed to predict the effect of sequence changes on RNA splicing suggest that this variant may disrupt the consensus splice site. In summary, the available evidence is currently insufficient to determine the role of this variant in disease. Therefore, it has been classified as a Variant of Uncertain Significance.

GeneDx
Classification: Uncertain significance. Last evaluated: 2018-10-18. Review status: criteria provided, single submitter. Criteria: GeneDx Variant Classification Process June 2021. Collection method: clinical testing. Allele origin: germline. Affected: yes.
Comment: Not observed in large population cohorts (Lek et al., 2016); In silico analysis, which includes protein predictors and evolutionary conservation, supports a deleterious effect; Has not been previously published as pathogenic or benign to our knowledge

NM_001099922.3(ALG13):c.2110C>T (p.Arg704Cys)

Gene: ALG13 (ALG13 UDP-N-acetylglucosaminyltransferase subunit; plus strand). Cytogenetic location: Xq23.
Variant type: single nucleotide variant.
Coding change: c.2110C>T on transcript NM_001099922.3 (MANE Select); coding-DNA position 2110, C replaced by T.
Protein change: p.Arg704Cys; replaces arginine 704 with cysteine.
Molecular consequence: missense variant. On other transcripts: non-coding transcript variant (1).
Genome position (GRCh38, 1-based): chrX:111,727,633, C>T. VCF-style: chrX-111727633-C-T. GRCh37 (hg19) VCF-style: chrX-110970861-C-T.
Other names: c.1798C>T, p.Arg600Cys (NM_001257230.2, NM_001257234.2, NM_001257237.2); c.1876C>T, p.Arg626Cys (NM_001257231.2); c.2110C>T, p.Arg704Cys (NM_001324292.2); c.1624C>T, p.Arg542Cys (NM_001324293.1); short protein forms R542C, R600C, R626C, R704C.
Identifiers: ClinVar variation 1304233 (VCV001304233.5), dbSNP rs767153325, ClinGen allele CA10493827.